The following is an entry in ClinVar:

NM_198060.4(NRAP):c.2244+1G>C

Gene: NRAP (nebulin related anchoring protein; minus strand). Cytogenetic location: 10q25.3.
Variant type: single nucleotide variant.
Coding change: c.2244+1G>C on transcript NM_198060.4 (MANE Select); the canonical splice donor site of the intron after coding-DNA position 2244, G replaced by C.
Molecular consequence: splice donor variant.
Genome position (GRCh38, 1-based): chr10:113,626,046, C>G on the plus strand (G>C on the coding strand, the complement: NRAP is on the minus strand). VCF-style: chr10-113626046-C-G. GRCh37 (hg19) VCF-style: chr10-115385805-C-G.
Other names: c.2139+1G>C (NM_006175.5); c.2244+1G>C (NM_001322945.2, NM_001261463.2, NM_198060.3).
Identifiers: ClinVar variation 4812902 (VCV004812902.2), dbSNP rs150140934.

ClinVar aggregate classification (germline): Uncertain significance. Review status: criteria provided, multiple submitters, no conflicts (2 of 4 stars). 2 submissions from 2 submitters: Uncertain significance (2). Last evaluated 2026-09-21.

Conditions:
Cardiovascular phenotype. Identifiers: MedGen CN230736.

gnomAD v4.1: 87 of 1,607,230 alleles (0.0054%); highest among the groups gnomAD compares: African/African-American, 0.1%; no homozygotes.

Submissions (2):

Molecular Diagnostic Laboratory for Inherited Cardiovascular Disease, Montreal Heart Institute
Classification: Uncertain significance for Cardiovascular phenotype. Last evaluated: 2026-09-21. Review status: criteria provided, single submitter. Criteria: ACMG Guidelines, 2015. Collection method: clinical testing. Allele origin: germline. Affected: yes.
Comment: PVS1_strong, BS1

GeneDx
Classification: Uncertain significance. Last evaluated: 2025-08-31. Review status: criteria provided, single submitter. Criteria: GeneDx Variant Classification Process June 2021. Collection method: clinical testing. Allele origin: germline. Affected: yes.
Comment: Canonical splice site variant predicted to result in an in-frame loss of the adjacent exon in a gene for which loss of function is a known mechanism of disease; Has not been previously published as pathogenic or benign to our knowledge